The following is an entry in ClinVar:

NM_024426.6(WT1):c.1344G>C (p.Arg448Ser)

Gene: WT1 (WT1 transcription factor; minus strand). Cytogenetic location: 11p13.
Variant type: single nucleotide variant.
Coding change: c.1344G>C on transcript NM_024426.6 (MANE Select); coding-DNA position 1344, G replaced by C.
Protein change: p.Arg448Ser; replaces arginine 448 with serine.
Molecular consequence: missense variant. On other transcripts: non-coding transcript variant (1).
Genome position (GRCh38, 1-based): chr11:32,392,676, C>G on the plus strand (G>C on the coding strand, the complement: WT1 is on the minus strand). VCF-style: chr11-32392676-C-G. GRCh37 (hg19) VCF-style: chr11-32414222-C-G.
Other names: c.1293G>C, p.Arg431Ser (NM_000378.6, NM_001407045.1, NM_001407049.1); c.693G>C, p.Arg231Ser (NM_001198551.2); c.642G>C, p.Arg214Ser (NM_001198552.2); c.156G>C, p.Arg52Ser (NM_001367854.1); c.1338G>C, p.Arg446Ser (NM_001407044.1); c.1344G>C, p.Arg448Ser (NM_001407046.1, NM_024424.5); c.1221G>C, p.Arg407Ser (NM_001407047.1); c.1170G>C, p.Arg390Ser (NM_001407050.1); and 2 more; short protein forms R194S, R214S, R231S, R390S, R407S, R426S, R431S, R443S.
Identifiers: ClinVar variation 1721834 (VCV001721834.6), dbSNP rs1236598690, ClinGen allele CA379959147.

ClinVar aggregate classification (germline): Uncertain significance (1 of 4 stars; one submission).

Conditions:
Wilms tumor 1 (WT1). Also called: Wilms tumor, somatic. Identifiers: Orphanet 654, MedGen CN033288, MONDO:0008679, OMIM 194070.
11p partial monosomy syndrome (WAGR). Also called: WAGR Spectrum Disorder; WAGR syndrome; WAGR Complex; CHROMOSOME 11p13 DELETION SYNDROME. Identifiers: Orphanet 893, MedGen C0206115, MONDO:0008681, OMIM 194072.
Drash syndrome (DDS). Also called: NEPHROPATHY, WILMS TUMOR, AND GENITAL ANOMALIES; WILMS TUMOR AND PSEUDO- OR TRUE HERMAPHRODITISM. Identifiers: Orphanet 220, MedGen C0950121, MONDO:0008682, OMIM 194080.
Frasier syndrome. Identifiers: Orphanet 347, MedGen C0950122, MeSH D052159, MONDO:0007635, OMIM 136680.

Submission:

Labcorp Genetics (formerly Invitae), Labcorp
Classification: Uncertain significance for Wilms tumor 1; Drash syndrome; 11p partial monosomy syndrome; Frasier syndrome. Last evaluated: 2022-10-19. Review status: criteria provided, single submitter. Criteria: Invitae Variant Classification Sherloc (09022015). Collection method: clinical testing. Allele origin: germline.
Comment: In summary, the available evidence is currently insufficient to determine the role of this variant in disease. Therefore, it has been classified as a Variant of Uncertain Significance. Algorithms developed to predict the effect of missense changes on protein structure and function (SIFT, PolyPhen-2, Align-GVGD) all suggest that this variant is likely to be disruptive. This variant has not been reported in the literature in individuals affected with WT1-related conditions. This variant is not present in population databases (gnomAD no frequency). This sequence change replaces arginine, which is basic and polar, with serine, which is neutral and polar, at codon 443 of the WT1 protein (p.Arg443Ser).